The following is an entry in ClinVar:

NM_145239.3(PRRT2):c.1012+2T>C

Genes: MVP-DT (MVP divergent transcript; minus strand), PRRT2 (proline rich transmembrane protein 2; plus strand). Cytogenetic location: 16p11.2.
Variant type: single nucleotide variant.
Coding change: c.1012+2T>C on transcript NM_145239.3 (MANE Select); the canonical splice donor site of the intron after coding-DNA position 1012, T replaced by C.
Molecular consequence: splice donor variant. On other transcripts: synonymous variant (1), 3 prime UTR variant (1).
Genome position (GRCh38, 1-based): chr16:29,814,467, T>C. VCF-style: chr16-29814467-T-C. GRCh37 (hg19) VCF-style: chr16-29825788-T-C.
Other names: c.1014T>C, p.Gly338= (NM_001256442.2); c.*513T>C (NM_001256443.2).
Identifiers: ClinVar variation 2982331 (VCV002982331.3), dbSNP rs2543339500, ClinGen allele CA395480881.

ClinVar aggregate classification (germline): Uncertain significance (1 of 4 stars; one submission).

Conditions:
Episodic kinesigenic dyskinesia (EKD). Also called: Paroxysmal kinesigenic dyskinesia. Identifiers: Orphanet 98809, MedGen C1868682, MONDO:0044202.

Submission:

Labcorp Genetics (formerly Invitae), Labcorp
Classification: Uncertain significance for Episodic kinesigenic dyskinesia. Last evaluated: 2023-04-02. Review status: criteria provided, single submitter. Criteria: Invitae Variant Classification Sherloc (09022015). Collection method: clinical testing. Allele origin: germline.
Comment: This sequence change affects a donor splice site in intron 3 of the PRRT2 gene. While this variant is not anticipated to result in nonsense mediated decay, it likely alters RNA splicing and results in a disrupted protein product. This variant is not present in population databases (gnomAD no frequency). Disruption of this splice site has been observed in individual(s) with paroxysmal kinesigenic dyskinesia (PMID: 32392383). Variants that disrupt the consensus splice site are a relatively common cause of aberrant splicing (PMID: 17576681, 9536098). Algorithms developed to predict the effect of sequence changes on RNA splicing suggest that this variant may disrupt the consensus splice site. In summary, the available evidence is currently insufficient to determine the role of this variant in disease. Therefore, it has been classified as a Variant of Uncertain Significance.

Literature cited by the submitters: PubMed 32392383; PubMed 17576681; PubMed 9536098.